The following is an entry in ClinVar:

ClinVar aggregate classification (germline): Likely benign. Review status: criteria provided, multiple submitters, no conflicts (2 of 4 stars). 3 submissions from 3 submitters: Likely benign (3). Last evaluated 2025-02-01.

Allele frequency attached by ClinVar (database versions not stated): gnomAD 0.00020 and 0.00021; TOPMed 0.00024; gnomAD exomes 0.00027 and 0.00056; ExAC 0.00137.
gnomAD v4.1: 440 of 1,569,764 alleles (0.028%); highest among the groups gnomAD compares: South Asian, 0.11%; no homozygotes.

Submissions (3):

CeGaT Center for Human Genetics Tuebingen
Classification: Likely benign. Last evaluated: 2025-02-01. Review status: criteria provided, single submitter. Criteria: CeGaT Center For Human Genetics Tuebingen Variant Classification Criteria Version 2. Collection method: clinical testing. Allele origin: germline. Affected: yes. Observed: 2 variant alleles.
Comment: ADAT3: BP4, BP7

Labcorp Genetics (formerly Invitae), Labcorp
Classification: Likely benign. Last evaluated: 2019-12-31. Review status: criteria provided, single submitter. Criteria: Invitae Variant Classification Sherloc (09022015). Collection method: clinical testing. Allele origin: germline.

Breakthrough Genomics
Classification: Likely benign. Review status: criteria provided, single submitter. Criteria: ACMG Guidelines, 2015. Collection method: not provided. Allele origin: germline. Inheritance: Autosomal recessive inheritance. Affected: yes.

NM_138422.4(ADAT3):c.111T>G (p.Pro37=)

Genes: ADAT3 (adenosine deaminase tRNA specific 3; plus strand), SCAMP4 (secretory carrier membrane protein 4; plus strand). Cytogenetic location: 19p13.3.
Variant type: single nucleotide variant.
Coding change: c.111T>G on transcript NM_138422.4 (MANE Select); coding-DNA position 111, T replaced by G.
Protein change: p.Pro37=; no amino-acid change (proline 37 retained).
Molecular consequence: synonymous variant. On other transcripts: intron variant (3).
Genome position (GRCh38, 1-based): chr19:1,912,158, T>G. VCF-style: chr19-1912158-T-G. GRCh37 (hg19) VCF-style: chr19-1912157-T-G.
Other names: c.63T>G, p.Pro21= (NM_001329533.2); c.-41-2821T>G (NM_079834.4, NM_001329540.2); c.-125-5536T>G (NM_001329539.2).
Identifiers: ClinVar variation 726301 (VCV000726301.29), dbSNP rs760510020, ClinGen allele CA9054491.